The following is an entry in ClinVar:

NM_014140.4(SMARCAL1):c.2009A>G (p.Asn670Ser)

Gene: SMARCAL1 (SNF2 related chromatin remodeling annealing helicase 1; plus strand). Cytogenetic location: 2q35.
Variant type: single nucleotide variant.
Coding change: c.2009A>G on transcript NM_014140.4 (MANE Select); coding-DNA position 2009, A replaced by G.
Protein change: p.Asn670Ser; replaces asparagine 670 with serine.
Molecular consequence: missense variant.
Genome position (GRCh38, 1-based): chr2:216,451,003, A>G. VCF-style: chr2-216451003-A-G. GRCh37 (hg19) VCF-style: chr2-217315726-A-G.
Other names: c.2009A>G, p.Asn670Ser (NM_001127207.2); short protein forms N670S.
Identifiers: ClinVar variation 532005 (VCV000532005.4), dbSNP rs752621052, ClinGen allele CA2098072.

ClinVar aggregate classification (germline): Uncertain significance (1 of 4 stars; one submission).

Conditions:
Schimke immuno-osseous dysplasia (SIOD). Also called: Schimke Immunoosseous Dysplasia. Identifiers: Orphanet 1830, MedGen C0877024, MONDO:0009458, OMIM 242900.

Allele frequency attached by ClinVar (database versions not stated): ExAC 0.00003; TOPMed 0.00003; gnomAD 0.00004; gnomAD exomes 0.00007.

Submission:

Labcorp Genetics (formerly Invitae), Labcorp
Classification: Uncertain significance for Schimke immuno-osseous dysplasia. Last evaluated: 2024-10-23. Review status: criteria provided, single submitter. Criteria: Invitae Variant Classification Sherloc (09022015). Collection method: clinical testing. Allele origin: germline.
Comment: This sequence change replaces asparagine, which is neutral and polar, with serine, which is neutral and polar, at codon 670 of the SMARCAL1 protein (p.Asn670Ser). This variant is present in population databases (rs752621052, gnomAD 0.06%). This variant has not been reported in the literature in individuals affected with SMARCAL1-related conditions. ClinVar contains an entry for this variant (Variation ID: 532005). Invitae Evidence Modeling of protein sequence and biophysical properties (such as structural, functional, and spatial information, amino acid conservation, physicochemical variation, residue mobility, and thermodynamic stability) indicates that this missense variant is not expected to disrupt SMARCAL1 protein function with a negative predictive value of 80%. In summary, the available evidence is currently insufficient to determine the role of this variant in disease. Therefore, it has been classified as a Variant of Uncertain Significance.